The following is an entry in ClinVar:

ClinVar aggregate classification (germline): Pathogenic/Likely pathogenic. Review status: criteria provided, multiple submitters, no conflicts (2 of 4 stars). 4 submissions from 4 submitters: Pathogenic (1); Likely pathogenic (3). Last evaluated 2026-02-05.

Conditions:
Ichthyosis vulgaris. Also called: ICHTHYOSIS SIMPLEX; Dominant ichthyosis vulgaris. Identifiers: MedGen C0079584, MONDO:0024304, OMIM 146700.
Dermatitis, atopic, 2. Identifiers: MedGen C1853965, MONDO:0011596, OMIM 605803.

Allele frequency attached by ClinVar (database versions not stated): gnomAD 0.00003.
gnomAD v4.1: 48 of 1,612,970 alleles (0.003%); highest among the groups gnomAD compares: Non-Finnish European, 0.0039%; no homozygotes.

Submissions (4):

GeneDx
Classification: Likely pathogenic. Last evaluated: 2026-02-05. Review status: criteria provided, single submitter. Criteria: GeneDx Variant Classification Process June 2021. Collection method: clinical testing. Allele origin: germline.
Comment: Canonical splice site variant predicted to result in an in-frame loss of the adjacent exon in a gene for which loss of function is a known mechanism of disease; Not observed at significant frequency in large population cohorts (gnomAD); Has not been previously published as pathogenic or benign to our knowledge

Genome-Nilou Lab
Classification: Likely pathogenic for Ichthyosis vulgaris. Last evaluated: 2023-04-11. Review status: criteria provided, single submitter. Criteria: ACMG Guidelines, 2015. Collection method: clinical testing. Allele origin: germline. Affected: no.

Fulgent Genetics
Classification: Likely pathogenic for Ichthyosis vulgaris; Dermatitis, atopic, 2. Last evaluated: 2021-10-13. Review status: criteria provided, single submitter. Criteria: ACMG Guidelines, 2015. Collection method: clinical testing. Allele origin: unknown.

Revvity Omics, Revvity
Classification: Pathogenic for Ichthyosis vulgaris. Last evaluated: 2020-03-16. Review status: criteria provided, single submitter. Criteria: ACMG Guidelines, 2015. Collection method: clinical testing. Allele origin: germline.

NM_002016.2(FLG):c.138+1G>C

Genes: CCDST (cervical cancer associated DHX9 suppressive transcript; plus strand), FLG (filaggrin; minus strand). Cytogenetic location: 1q21.3.
Variant type: single nucleotide variant.
Coding change: c.138+1G>C on transcript NM_002016.2 (MANE Select); the canonical splice donor site of the intron after coding-DNA position 138, G replaced by C.
Molecular consequence: splice donor variant.
Genome position (GRCh38, 1-based): chr1:152,315,318, C>G on the plus strand (G>C on the coding strand, the complement: FLG is on the minus strand). VCF-style: chr1-152315318-C-G. GRCh37 (hg19) VCF-style: chr1-152287794-C-G.
Identifiers: ClinVar variation 1322922 (VCV001322922.8), dbSNP rs756254959, ClinGen allele CA1108100.
Genomic context (GRCh38, chr1:152,315,318, plus strand): 5'-TGCTTAGATTATTGATGAGAAAAACAAATGCTCTATCTTTGGTCTTGTCAGAGACTCTTA[C>G]CTTCAGGATTTGCCGAAATTCCTTTTCCAGAAGTTCCTTCAGCTCTTTTTTACTCAATGT-3'